The following is an entry in ClinVar:

ClinVar aggregate classification (germline): Uncertain significance (1 of 4 stars; one submission).

Allele frequency attached by ClinVar (database versions not stated): gnomAD exomes below 0.00001; TOPMed below 0.00001; gnomAD 0.00001.
gnomAD v4.1: 6 of 1,612,716 alleles (0.00037%); highest among the groups gnomAD compares: East Asian, 0.013%; no homozygotes.

Submission:

Women's Health and Genetics/Laboratory Corporation of America, LabCorp
Classification: Uncertain significance. Last evaluated: 2023-04-14. Review status: criteria provided, single submitter. Criteria: LabCorp Variant Classification Summary - May 2015. Collection method: clinical testing. Allele origin: germline.
Comment: Variant summary: TMEM67 c.395G>C (p.Gly132Ala) results in a non-conservative amino acid change in the encoded protein sequence. Five of five in-silico tools predict a damaging effect of the variant on protein function. The variant allele was found at a frequency of 4e-06 in 251392 control chromosomes (gnomAD). c.395G>C has been reported in the literature in the compound heterozygous state in an individual affected with Joubert Syndrome and in an individual affected with COACH syndrome (Suzuki_2016, Lee_2017). These data indicate that the variant may be associated with disease. A publication evaluating an impact of the variant in a zebrafish model found that the variant was unable to rescue a hydrocephalus phenotype, however, does not allow strong conclusions about the magnitude of variant effect on protein function versus the WT (Lee_2017). No clinical diagnostic laboratories have submitted clinical-significance assessments for this variant to ClinVar after 2014. Based on the evidence outlined above, the variant was classified as VUS-possibly pathogenic.

Literature cited by the submitters: PubMed 27434533; PubMed 28860541.

NM_153704.6(TMEM67):c.395G>C (p.Gly132Ala)

Gene: TMEM67 (transmembrane protein 67; plus strand). Cytogenetic location: 8q22.1.
Variant type: single nucleotide variant.
Coding change: c.395G>C on transcript NM_153704.6 (MANE Select); coding-DNA position 395, G replaced by C.
Protein change: p.Gly132Ala; replaces glycine 132 with alanine.
Molecular consequence: missense variant. On other transcripts: non-coding transcript variant (1).
Genome position (GRCh38, 1-based): chr8:93,758,565, G>C. VCF-style: chr8-93758565-G-C. GRCh37 (hg19) VCF-style: chr8-94770793-G-C.
Other names: c.18G>C, p.Trp6Cys (NM_001142301.1); short protein forms G132A, W6C.
Identifiers: ClinVar variation 2503864 (VCV002503864.1), dbSNP rs1490496033, ClinGen allele CA371685925.
Genomic context (GRCh38, chr8:93,758,565, plus strand): 5'-GGAACTGCATTTCTTGCCCTAGTGACTTAACTGCCGAAGGAAAATGTCACTGTCCCATTG[G>C]CCATATTTTAGGTAAGAATTAGATTCCTTATAAAGAAGTAGTGATAAATCTTCATTCTTG-3'
Protein context (NP_714915.3, residues 122-142): TAEGKCHCPI[Gly132Ala]HILVERDING